The following is an entry in ClinVar:

ClinVar aggregate classification (germline): Likely pathogenic. Review status: criteria provided, single submitter (1 of 4 stars). 3 submissions from 2 submitters: Likely pathogenic (2). 1 of the submissions does not count toward it. Last evaluated 2025-10-28.

Conditions:
Rare epilepsy. Identifiers: Orphanet 101998, MedGen C5681770.
Benign familial infantile epilepsy. Also called: Benign familial infantile seizures. Identifiers: Orphanet 306, MedGen C5575231, MONDO:0017615.
Chondrocalcinosis 2. Also called: Familial calcium pyrophosphate deposition; CALCIUM GOUT; CALCIUM PYROPHOSPHATE ARTHROPATHY. Identifiers: Orphanet 1416, MedGen C0856830, MONDO:0007319, OMIM 118600.

Submissions (3):

Institute of Medical Genetics and Applied Genomics, University Hospital Tübingen
Classification: Likely pathogenic for Rare epilepsy. Last evaluated: 2025-10-28. Review status: criteria provided, single submitter. Criteria: ACMG Guidelines, 2015. Collection method: clinical testing. Allele origin: germline. Affected: yes.

Institute of Medical Genetics and Applied Genomics, University Hospital Tübingen
Classification: Likely pathogenic for Benign familial infantile epilepsy. Last evaluated: 2025-03-07. Review status: criteria provided, single submitter. Criteria: ACMG Guidelines, 2015. Collection method: clinical testing. Allele origin: germline. Inheritance: Autosomal dominant inheritance. Affected: yes.
Comment: variant segregates with self-limited autosomal dominant infantile epilepsy in at least 5 affectec family members

OMIM
Classification: Pathogenic for CHONDROCALCINOSIS 2. Last evaluated: 2002-10-01. Review status: no assertion criteria provided. Collection method: literature only. Allele origin: germline. Not counted in ClinVar's aggregate classification.

Literature cited by the submitters: PubMed 8528213 (cited by OMIM); PubMed 12297987 (cited by OMIM).

NM_054027.6(ANKH):c.-11C>T

Genes: ANKH (ANKH inorganic pyrophosphate transport regulator; minus strand), ANKH-DT (ANKH divergent transcript). Cytogenetic location: 5p15.2.
Variant type: single nucleotide variant.
Coding change: c.-11C>T on transcript NM_054027.6 (MANE Select); 11 bases upstream of the start codon, C replaced by T.
Molecular consequence: 5 prime UTR variant.
Genome position (GRCh38, 1-based): chr5:14,871,458, G>A on the plus strand (C>T on the coding strand, the complement: ANKH is on the minus strand). VCF-style: chr5-14871458-G-A. GRCh37 (hg19) VCF-style: chr5-14871567-G-A.
Other names: -11C-T.
Identifiers: ClinVar variation 5196 (VCV000005196.5), dbSNP rs2126640512, ClinGen allele CA2573138592.